The following is an entry in ClinVar:

NM_001457.4(FLNB):c.458T>A (p.Ile153Asn)

Gene: FLNB (filamin B; plus strand). Cytogenetic location: 3p14.3.
Variant type: single nucleotide variant.
Coding change: c.458T>A on transcript NM_001457.4 (MANE Select); coding-DNA position 458, T replaced by A.
Protein change: p.Ile153Asn; replaces isoleucine 153 with asparagine.
Molecular consequence: missense variant.
Genome position (GRCh38, 1-based): chr3:58,077,211, T>A. VCF-style: chr3-58077211-T-A. GRCh37 (hg19) VCF-style: chr3-58062938-T-A.
Other names: c.458T>A, p.Ile153Asn (NM_001164317.2, NM_001164318.2, NM_001164319.2); short protein forms I153N.
Identifiers: ClinVar variation 1307396 (VCV001307396.2), dbSNP rs2106946743, ClinGen allele CA353333470.

ClinVar aggregate classification (germline): Uncertain significance (1 of 4 stars; one submission).

Submission:

GeneDx
Classification: Uncertain significance. Last evaluated: 2019-07-22. Review status: criteria provided, single submitter. Criteria: GeneDx Variant Classification Process June 2021. Collection method: clinical testing. Allele origin: germline. Affected: yes.
Comment: Not observed in large population cohorts (Lek et al., 2016); In silico analysis, which includes protein predictors and evolutionary conservation, supports a deleterious effect; Has not been previously published as pathogenic or benign to our knowledge